The following is an entry in ClinVar:

NM_000053.4(ATP7B):c.202del (p.Thr68fs)

Gene: ATP7B (ATPase copper transporting beta; minus strand). Cytogenetic location: 13q14.3.
Variant type: Deletion.
Coding change: c.202del on transcript NM_000053.4 (MANE Select); coding-DNA position 202, one base deleted (A; older notation c.202delA).
Protein change: p.Thr68fs; shifts the reading frame from threonine 68.
Molecular consequence: frameshift variant.
Genome position (GRCh38, 1-based): chr13:51,975,018, T deleted on the plus strand (A on the coding strand, the reverse complement: ATP7B is on the minus strand). VCF-style (leftmost placement, unchanged base first): chr13-51975017-GT-G. GRCh37 (hg19) VCF-style: chr13-52549153-GT-G.
Other names: c.202del, p.Thr68fs (NM_001005918.3, NM_001243182.2, NM_001330578.2 and 30 more transcripts); c.106del, p.Thr36fs (NM_001406530.1, NM_001406517.1, NM_001406518.1 and 4 more transcripts); short protein forms T36fs, T68fs.
Identifiers: ClinVar variation 2813069 (VCV002813069.3), dbSNP rs2547825208, ClinGen allele CA2739277637.

ClinVar aggregate classification (germline): Pathogenic (1 of 4 stars; one submission).

Conditions:
Wilson disease (WND). Also called: Wilson's disease. Identifiers: Orphanet 905, MedGen C0019202, MONDO:0010200, OMIM 277900. Disease mechanism: loss of function.

Submission:

Labcorp Genetics (formerly Invitae), Labcorp
Classification: Pathogenic for Wilson disease. Last evaluated: 2022-11-09. Review status: criteria provided, single submitter. Criteria: Invitae Variant Classification Sherloc (09022015). Collection method: clinical testing. Allele origin: germline.
Comment: This sequence change creates a premature translational stop signal (p.Thr68Leufs*6) in the ATP7B gene. It is expected to result in an absent or disrupted protein product. Loss-of-function variants in ATP7B are known to be pathogenic (PMID: 10441329, 16283883). This variant is not present in population databases (gnomAD no frequency). This variant has not been reported in the literature in individuals affected with ATP7B-related conditions. For these reasons, this variant has been classified as Pathogenic.

Literature cited by the submitters: PubMed 10441329; PubMed 16283883.